The following is an entry in ClinVar:

ClinVar aggregate classification (germline): Conflicting classifications of pathogenicity. Review status: criteria provided, conflicting classifications (1 of 4 stars). 4 submissions from 4 submitters: Pathogenic (2); Uncertain significance (1). 1 of the submissions does not count toward it. Last evaluated 2024-04-29.

Conditions:
Cardiovascular phenotype. Identifiers: MedGen CN230736.
Charcot-Marie-Tooth disease type 2. Also called: Charcot-Marie-Tooth type 2. Identifiers: Orphanet 64746, MedGen C0270914, MONDO:0018993.

Submissions (4):

Labcorp Genetics (formerly Invitae), Labcorp
Classification: Pathogenic for Charcot-Marie-Tooth disease type 2. Last evaluated: 2024-04-29. Review status: criteria provided, single submitter. Criteria: Invitae Variant Classification Sherloc (09022015). Collection method: clinical testing. Allele origin: germline.
Comment: This sequence change affects a donor splice site in intron 8 of the LMNA gene. It is expected to disrupt RNA splicing. Variants that disrupt the donor or acceptor splice site typically lead to a loss of protein function (PMID: 16199547), and loss-of-function variants in LMNA are known to be pathogenic (PMID: 18585512, 18926329). This variant is not present in population databases (gnomAD no frequency). Disruption of this splice site has been observed in individuals with clinical features of autosomal dominant muscular dystrophy (PMID: 19258295, 20848652, 34240052; Invitae). ClinVar contains an entry for this variant (Variation ID: 66831). Algorithms developed to predict the effect of sequence changes on RNA splicing suggest that this variant may disrupt the consensus splice site. For these reasons, this variant has been classified as Pathogenic.

Ambry Genetics
Classification: Uncertain significance for Cardiovascular phenotype. Last evaluated: 2023-04-24. Review status: criteria provided, single submitter. Criteria: Ambry Variant Classification Scheme 2023. Collection method: clinical testing. Allele origin: germline.
Comment: The c.1488+1G>A intronic variant results from a G to A substitution one nucleotide after coding exon 8 of the LMNA gene. This variant has been detected in an an individual reported to have limb girdle muscular dystrophy, partial epilepsy, and severe dilated cardiomyopathy (Tsao CY et al. J Child Neurol, 2009 Mar;24:346-8). This variant has also been detected in an individual with features of Emery-Dreifuss muscular dystrophy who required a pacemaker (Scharner J et al. Hum Mutat, 2011 Feb;32:152-67). This variant has also been detected in a cohort of patients with neuromuscular conditions; however, details were limited (Ben Yaou R et al. Brain Commun, 2021 Jul;3:fcab075). Alterations that disrupt the canonical splice site are expected to result in aberrant splicing. In silico splice site analysis predicts that this alteration will weaken the native splice donor site and will result in the creation or strengthening of a novel splice donor site. The resulting transcript is predicted to be in-frame and is not expected to trigger nonsense-mediated mRNAdecay; however, direct evidence is unavailable. The exact functional effect of the altered amino acid sequence is unknown. This nucleotide position is highly conserved in available vertebrate species. Since supporting evidence is limited at this time, the clinical significance of this alteration remains unclear.

Eurofins Ntd Llc (ga)
Classification: Pathogenic. Last evaluated: 2016-02-16. Review status: criteria provided, single submitter. Criteria: EGL Classification Definitions. Collection method: clinical testing. Allele origin: germline. Observed: 2 variant alleles, 2 heterozygotes.

Epithelial Biology;  Institute of Medical Biology, Singapore
No classification provided. Review status: no classification provided. Collection method: not provided. Allele origin: not provided. Not counted in ClinVar's aggregate classification.

Literature cited by the submitters: PubMed 16199547 (cited by Labcorp Genetics (formerly Invitae), Labcorp); PubMed 18585512 (cited by Labcorp Genetics (formerly Invitae), Labcorp); PubMed 18926329 (cited by Labcorp Genetics (formerly Invitae), Labcorp); PubMed 19258295 (cited by Labcorp Genetics (formerly Invitae), Labcorp and Ambry Genetics); PubMed 20848652 (cited by Labcorp Genetics (formerly Invitae), Labcorp and Ambry Genetics); PubMed 34240052 (cited by Labcorp Genetics (formerly Invitae), Labcorp and Ambry Genetics).

NM_170707.4(LMNA):c.1488+1G>A

Gene: LMNA (lamin A/C; plus strand). Cytogenetic location: 1q22.
Variant type: single nucleotide variant.
Coding change: c.1488+1G>A on transcript NM_170707.4 (MANE Select); the canonical splice donor site of the intron after coding-DNA position 1488, G replaced by A.
Molecular consequence: splice donor variant.
Genome position (GRCh38, 1-based): chr1:156,137,029, G>A. VCF-style: chr1-156137029-G-A. GRCh37 (hg19) VCF-style: chr1-156106820-G-A.
Other names: c.1245+1G>A (NM_001406986.1, NM_001406987.1, NM_001282624.2); c.864+1G>A (NM_001407000.1, NM_001406994.1, NM_001407001.1 and 1 more transcripts); c.1488+1G>A (NM_001406985.1, NM_001282626.2, NM_170708.4 and 6 more transcripts); c.930+1G>A (NM_001406995.1, NM_001406990.1, NM_001406996.1 and 4 more transcripts); c.1152+1G>A (NM_001406989.1, NM_001257374.3, NM_001406998.1); c.1191+1G>A (NM_001406988.1).
Identifiers: ClinVar variation 66831 (VCV000066831.12), dbSNP rs267607640, ClinGen allele CA017312.
Genomic context (GRCh38, chr1:156,137,029, plus strand): 5'-CCCTTGCTGACTTACCGGTTCCCACCAAAGTTCACCCTGAAGGCTGGGCAGGTGGTGACG[G>A]TGAGTGGCAGGGCGCTTGGGACTCTGGGGAGGCCTTGGGTGGCGATGGGAGCGCTGGGGT-3'